The following is an entry in ClinVar:

NC_000003.12:g.169764782C>A

Genes: TERC (telomerase RNA component; minus strand), LOC110806306 (telomerase RNA component (TERC) promoter; plus strand). Cytogenetic location: 3q26.2.
Variant type: single nucleotide variant.
Genome position: GRCh38 VCF-style: chr3-169764782-C-A. GRCh37 (hg19) VCF-style: chr3-169482570-C-A.
Identifiers: ClinVar variation 2125942 (VCV002125942.4), dbSNP rs2108182975, ClinGen allele CA436715176.

ClinVar aggregate classification (germline): Uncertain significance (1 of 4 stars; one submission).

Conditions:
Dyskeratosis congenita, autosomal dominant 1 (DKCA1). Also called: Dyskeratosis congenita Scoggins type. Identifiers: Orphanet 1775, MedGen C4551974, MONDO:0007485, OMIM 127550. Inheritance: Variable.

Allele frequency attached by ClinVar (database versions not stated): gnomAD exomes below 0.00001.
gnomAD v4.1: 1 of 740,054 alleles (0.00014%); highest among the groups gnomAD compares: African/African-American, 0.0017%; no homozygotes.

Submission:

Labcorp Genetics (formerly Invitae), Labcorp
Classification: Uncertain significance for Dyskeratosis congenita, autosomal dominant 1. Last evaluated: 2022-04-13. Review status: criteria provided, single submitter. Criteria: Invitae Variant Classification Sherloc (09022015). Collection method: clinical testing. Allele origin: germline.
Comment: This variant occurs in the TERC gene, which encodes an RNA molecule that does not result in a protein product. This variant is not present in population databases (gnomAD no frequency). This variant has not been reported in the literature in individuals affected with TERC-related conditions. This variant is located within the conserved regions 4 and 5 (CR4-CR5) domain of the TERC RNA component, which is required for telomerase activity (PMID: 15082312, 21844345). In summary, the available evidence is currently insufficient to determine the role of this variant in disease. Therefore, it has been classified as a Variant of Uncertain Significance.

Literature cited by the submitters: PubMed 15082312; PubMed 21844345.